The following is an entry in ClinVar:

NM_033380.3(COL4A5):c.4506_4507del (p.Arg1503fs)

Gene: COL4A5 (collagen type IV alpha 5 chain; plus strand). Cytogenetic location: Xq22.3.
Variant type: Deletion.
Coding change: c.4506_4507del on transcript NM_033380.3 (MANE Select); coding-DNA positions 4506 to 4507, 2 bases deleted (AA; older notation c.4506_4507delAA).
Protein change: p.Arg1503fs; shifts the reading frame from arginine 1503.
Molecular consequence: frameshift variant.
Genome position (GRCh38, 1-based): chrX:108,687,672-108,687,673, AA deleted; deleting any 2 consecutive bases within chrX:108,687,670-108,687,673 gives the same sequence; the c. name uses the placement nearest the transcript's 3' end. VCF-style (leftmost placement, unchanged base first): chrX-108687669-TAA-T. GRCh37 (hg19) VCF-style: chrX-107930899-TAA-T.
Other names: c.4488_4489del, p.Arg1497fs (NM_000495.5); short protein forms R1503fs, R1497fs.
Identifiers: ClinVar variation 657973 (VCV000657973.8), dbSNP rs1603323412, ClinGen allele CA915951312.

ClinVar aggregate classification (germline): Pathogenic (1 of 4 stars; one submission).

Submission:

Labcorp Genetics (formerly Invitae), Labcorp
Classification: Pathogenic. Last evaluated: 2018-07-26. Review status: criteria provided, single submitter. Criteria: Invitae Variant Classification Sherloc (09022015). Collection method: clinical testing. Allele origin: germline.
Comment: For these reasons, this variant has been classified as Pathogenic. This sequence change creates a premature translational stop signal (p.Arg1497Serfs*17) in the COL4A5 gene. It is expected to result in an absent or disrupted protein product. This variant is not present in population databases (ExAC no frequency). This variant has been observed in an individual affected with Alport syndrome (PMID: 10561141). Loss-of-function variants in COL4A5 are known to be pathogenic (PMID: 9195222, 10752524, 14514738, 24854265, 26809805).

Literature cited by the submitters: PubMed 10561141; PubMed 9195222; PubMed 10752524; PubMed 14514738; PubMed 24854265; PubMed 26809805.